The following is an entry in ClinVar:

ClinVar aggregate classification (germline): Uncertain significance (1 of 4 stars; one submission).

Conditions:
Developmental and epileptic encephalopathy, 31A. Also called: Epileptic encephalopathy, early infantile, 31; Developmental and epileptic encephalopathy, 31. Identifiers: Orphanet 2382, MedGen C4225357, MONDO:0014598, OMIM 616346.

Allele frequency attached by ClinVar (database versions not stated): gnomAD exomes below 0.00001; gnomAD 0.00001.
gnomAD v4.1: 5 of 1,613,596 alleles (0.00031%); highest among the groups gnomAD compares: Non-Finnish European, 0.00034%; no homozygotes.

Submission:

Labcorp Genetics (formerly Invitae), Labcorp
Classification: Uncertain significance for Developmental and epileptic encephalopathy, 31A. Last evaluated: 2022-11-17. Review status: criteria provided, single submitter. Criteria: Invitae Variant Classification Sherloc (09022015). Collection method: clinical testing. Allele origin: germline.
Comment: Advanced modeling of protein sequence and biophysical properties (such as structural, functional, and spatial information, amino acid conservation, physicochemical variation, residue mobility, and thermodynamic stability) performed at Invitae indicates that this missense variant is not expected to disrupt DNM1 protein function. In summary, the available evidence is currently insufficient to determine the role of this variant in disease. Therefore, it has been classified as a Variant of Uncertain Significance. This variant has not been reported in the literature in individuals affected with DNM1-related conditions. This variant is present in population databases (no rsID available, gnomAD 0.007%). This sequence change replaces glutamic acid, which is acidic and polar, with aspartic acid, which is acidic and polar, at codon 95 of the DNM1 protein (p.Glu95Asp).

NM_004408.4(DNM1):c.285G>C (p.Glu95Asp)

Genes: DNM1 (dynamin 1; plus strand), LOC113839516 (Sharpr-MPRA regulatory region 8497; plus strand). Cytogenetic location: 9q34.11.
Variant type: single nucleotide variant.
Coding change: c.285G>C on transcript NM_004408.4 (MANE Select); coding-DNA position 285, G replaced by C.
Protein change: p.Glu95Asp; replaces glutamic acid 95 with aspartic acid.
Molecular consequence: missense variant.
Genome position (GRCh38, 1-based): chr9:128,218,631, G>C. VCF-style: chr9-128218631-G-C. GRCh37 (hg19) VCF-style: chr9-130980910-G-C.
Other names: c.285G>C, p.Glu95Asp (NM_001005336.3, NM_001288737.2, NM_001288738.2 and 2 more transcripts); short protein forms E95D.
Identifiers: ClinVar variation 2427911 (VCV002427911.10), dbSNP rs1224690812, ClinGen allele CA375010594.